The following is an entry in ClinVar:

ClinVar aggregate classification (germline): Likely benign. Review status: criteria provided, multiple submitters, no conflicts (2 of 4 stars). 3 submissions from 3 submitters: Likely benign (2). 1 of the submissions does not count toward it. Last evaluated 2026-01-26.

Conditions:
BMPR1B-related disorder. Also called: BMPR1B-related condition.
Type A2 brachydactyly (BDA2). Also called: MOHR-WRIEDT TYPE BRACHYDACTYLY; BRACHYMESOPHALANGY II; Brachymesophalangy type 2. Identifiers: Orphanet 93396, MedGen C1832702, MONDO:0007216, OMIM 112600, HP:0009372.
Acromesomelic dysplasia 3 (AMD3). Also called: Acromesomelic dysplasia, Demirhan type; CHONDRODYSPLASIA, ACROMESOMELIC, WITH OR WITHOUT GENITAL ANOMALIES. Identifiers: MedGen C4225404, MONDO:0012274, OMIM 609441.

Allele frequency attached by ClinVar (database versions not stated): 1000 Genomes Project 0.00020; 1000 Genomes Project 30x 0.00031; ESP Exome Variant Server 0.00054; TOPMed 0.00088.

Submissions (3):

Labcorp Genetics (formerly Invitae), Labcorp
Classification: Likely benign for Type A2 brachydactyly; Acromesomelic dysplasia 3. Last evaluated: 2026-01-26. Review status: criteria provided, single submitter. Criteria: Invitae Variant Classification Sherloc (09022015). Collection method: clinical testing. Allele origin: germline.

Breakthrough Genomics
Classification: Likely benign. Review status: criteria provided, single submitter. Criteria: ACMG Guidelines, 2015. Collection method: not provided. Allele origin: germline. Inheritance: Autosomal recessive inheritance. Affected: yes.

PreventionGenetics, part of Exact Sciences
Classification: Uncertain significance for BMPR1B-related condition. Last evaluated: 2024-05-28. Review status: no assertion criteria provided. Collection method: clinical testing. Allele origin: germline. Not counted in ClinVar's aggregate classification.
Comment: The BMPR1B c.1112G>A variant is predicted to result in the amino acid substitution p.Arg371Gln. This variant was reported in an individual with pulmonary arterial hypertension (Supplementary Dataset 1 in Wang et al. 2018. PubMed ID: 30578397) and in a patient with cleft lip with/without cleft palate (Marini et al. 2019. PubMed ID: 31063268). This variant is reported in 0.13% of alleles in individuals of South Asian descent in gnomAD, including one homozygous individual. This variant has been interpreted by a single submitter in ClinVar as likely benign. Although we suspect that this variant may be benign, at this time, the clinical significance of this variant is uncertain due to the absence of conclusive functional and genetic evidence.

NM_001203.3(BMPR1B):c.1112G>A (p.Arg371Gln)

Gene: BMPR1B (bone morphogenetic protein receptor type 1B; plus strand). Cytogenetic location: 4q22.3.
Variant type: single nucleotide variant.
Coding change: c.1112G>A on transcript NM_001203.3 (MANE Select); coding-DNA position 1112, G replaced by A.
Protein change: p.Arg371Gln; replaces arginine 371 with glutamine.
Molecular consequence: missense variant.
Genome position (GRCh38, 1-based): chr4:95,148,783, G>A. VCF-style: chr4-95148783-G-A. GRCh37 (hg19) VCF-style: chr4-96069934-G-A.
Other names: c.1112G>A, p.Arg371Gln (NM_001256792.2, NM_001256794.1); c.1202G>A, p.Arg401Gln (NM_001256793.2); short protein forms R371Q, R401Q.
Identifiers: ClinVar variation 441001 (VCV000441001.13), dbSNP rs34970181, ClinGen allele CA3015183.
Genomic context (GRCh38, chr4:95,148,783, plus strand): 5'-ATGCTTTGCTTTACTTTTTCCTTAGTGATACAAATGAAGTTGACATACCACCTAACACTC[G>A]AGTTGGCACCAAACGCTATATGCCTCCAGAAGTGTTGGACGAGAGCTTGAACAGAAATCA-3'
Protein context (NP_001194.1, residues 361-381): TNEVDIPPNT[Arg371Gln]VGTKRYMPPE